The following is an entry in ClinVar:

NM_000264.5(PTCH1):c.3246C>A (p.Pro1082=)

Gene: PTCH1 (patched 1; minus strand). Cytogenetic location: 9q22.32.
Variant type: single nucleotide variant.
Coding change: c.3246C>A on transcript NM_000264.5 (MANE Select); coding-DNA position 3246, C replaced by A.
Protein change: p.Pro1082=; no amino-acid change (proline 1082 retained).
Molecular consequence: synonymous variant. On other transcripts: non-coding transcript variant (1).
Genome position (GRCh38, 1-based): chr9:95,456,336, G>T on the plus strand (C>A on the coding strand, the complement: PTCH1 is on the minus strand). VCF-style: chr9-95456336-G-T. GRCh37 (hg19) VCF-style: chr9-98218618-G-T.
Other names: c.3048C>A, p.Pro1016= (NM_001083602.3); c.3243C>A, p.Pro1081= (NM_001083603.3); c.2793C>A, p.Pro931= (NM_001083604.3, NM_001083605.3, NM_001083606.3 and 1 more transcripts); c.3090C>A, p.Pro1030= (NM_001354918.2).
Identifiers: ClinVar variation 2673179 (VCV002673179.23), dbSNP rs750725851, ClinGen allele CA466109273.

ClinVar aggregate classification (germline): Likely benign (1 of 4 stars; one submission).

Submission:

CeGaT Center for Human Genetics Tuebingen
Classification: Likely benign. Last evaluated: 2023-11-01. Review status: criteria provided, single submitter. Criteria: CeGaT Center For Human Genetics Tuebingen Variant Classification Criteria Version 2. Collection method: clinical testing. Allele origin: germline. Affected: yes. Observed: 1 variant allele.
Comment: PTCH1: PM2:Supporting, BP4, BP7